The following is an entry in ClinVar:

ClinVar aggregate classification (germline): Likely benign (1 of 4 stars; one submission).

Allele frequency attached by ClinVar (database versions not stated): TOPMed below 0.00001; gnomAD 0.00001.
gnomAD v4.1: 15 of 1,611,518 alleles (0.00093%); highest among the groups gnomAD compares: East Asian, 0.0067%; no homozygotes.

Submission:

CeGaT Center for Human Genetics Tuebingen
Classification: Likely benign. Last evaluated: 2022-12-01. Review status: criteria provided, single submitter. Criteria: CeGaT Center For Human Genetics Tuebingen Variant Classification Criteria Version 2. Collection method: clinical testing. Allele origin: germline. Affected: yes. Observed: 1 variant allele.
Comment: ANK3: BP4, BP7

NM_020987.5(ANK3):c.2295G>A (p.Thr765=)

Gene: ANK3 (ankyrin 3; minus strand). Cytogenetic location: 10q21.2.
Variant type: single nucleotide variant.
Coding change: c.2295G>A on transcript NM_020987.5 (MANE Select); coding-DNA position 2295, G replaced by A.
Protein change: p.Thr765=; no amino-acid change (threonine 765 retained).
Molecular consequence: synonymous variant.
Genome position (GRCh38, 1-based): chr10:60,172,987, C>T on the plus strand (G>A on the coding strand, the complement: ANK3 is on the minus strand). VCF-style: chr10-60172987-C-T. GRCh37 (hg19) VCF-style: chr10-61932745-C-T.
Other names: c.2277G>A, p.Thr759= (NM_001204403.2); c.2244G>A, p.Thr748= (NM_001204404.2); c.2295G>A, p.Thr765= (NM_001320874.2).
Identifiers: ClinVar variation 2640497 (VCV002640497.22), dbSNP rs754535613, ClinGen allele CA5512857.